The following is an entry in ClinVar:

ClinVar aggregate classification (germline): Pathogenic (1 of 4 stars; one submission).

Submission:

Labcorp Genetics (formerly Invitae), Labcorp
Classification: Pathogenic. Last evaluated: 2025-06-12. Review status: criteria provided, single submitter. Criteria: Invitae Variant Classification Sherloc (09022015). Collection method: clinical testing. Allele origin: germline.
Comment: This sequence change creates a premature translational stop signal (p.Ser1666*) in the LCT gene. It is expected to result in an absent or disrupted protein product. Loss-of-function variants in LCT are known to be pathogenic (PMID: 16400612, 25881162). This variant is present in population databases (no rsID available, gnomAD 0.003%). This variant has not been reported in the literature in individuals affected with LCT-related conditions. For these reasons, this variant has been classified as Pathogenic.

Literature cited by the submitters: PubMed 16400612; PubMed 25881162.

NM_002299.4(LCT):c.4996_4997del (p.Glu1665_Ser1666insTer)

Gene: LCT (lactase; minus strand). Cytogenetic location: 2q21.3.
Variant type: Microsatellite.
Coding change: c.4996_4997del on transcript NM_002299.4 (MANE Select); coding-DNA positions 4996 to 4997, 2 bases deleted (AG; older notation c.4996_4997delAG).
Protein change: p.Glu1665_Ser1666insTer.
Molecular consequence: nonsense.
Genome position (GRCh38, 1-based): chr2:135,794,755-135,794,756, CT deleted on the plus strand (AG on the coding strand, the reverse complement: LCT is on the minus strand); deleting any 2 consecutive bases within chr2:135,794,755-135,794,760 gives the same sequence; the c. name uses the placement nearest the transcript's 3' end. VCF-style (leftmost placement, unchanged base first): chr2-135794754-ACT-A. GRCh37 (hg19) VCF-style: chr2-136552324-ACT-A.
Identifiers: ClinVar variation 4761989 (VCV004761989.1).